The following is an entry in ClinVar:

ClinVar aggregate classification (germline): Likely pathogenic (1 of 4 stars; one submission).

Submission:

Labcorp Genetics (formerly Invitae), Labcorp
Classification: Likely pathogenic. Last evaluated: 2021-05-27. Review status: criteria provided, single submitter. Criteria: Invitae Variant Classification Sherloc (09022015). Collection method: clinical testing. Allele origin: germline.
Comment: This variant has not been reported in the literature in individuals with VPS13A-related conditions. In summary, the currently available evidence indicates that the variant is pathogenic, but additional data are needed to prove that conclusively. Therefore, this variant has been classified as Likely Pathogenic. Donor and acceptor splice site variants typically lead to a loss of protein function (PMID: 16199547), and loss-of-function variants in VPS13A are known to be pathogenic (PMID: 12404112, 21598378). This variant is not present in population databases (ExAC no frequency). This sequence change affects an acceptor splice site in intron 62 of the VPS13A gene. It is expected to disrupt RNA splicing and likely results in an absent or disrupted protein product.

Literature cited by the submitters: PubMed 16199547; PubMed 12404112; PubMed 21598378.

NM_033305.3(VPS13A):c.8554-2A>T

Gene: VPS13A (vacuolar protein sorting 13 homolog A; plus strand). Cytogenetic location: 9q21.2.
Variant type: single nucleotide variant.
Coding change: c.8554-2A>T on transcript NM_033305.3 (MANE Select); the canonical splice acceptor site of the intron before coding-DNA position 8554, A replaced by T.
Molecular consequence: splice acceptor variant.
Genome position (GRCh38, 1-based): chr9:77,369,297, A>T. VCF-style: chr9-77369297-A-T. GRCh37 (hg19) VCF-style: chr9-79984213-A-T.
Other names: c.8437-2A>T (NM_001018037.2); c.8554-2A>T (NM_015186.4, NM_001018038.3).
Identifiers: ClinVar variation 839814 (VCV000839814.8), dbSNP rs1832615643, ClinGen allele CA373865671.
Genomic context (GRCh38, chr9:77,369,297, plus strand): 5'-AATGTATAAGAAAAAATAGATCTAATTATCTGAATTGATTAATGTTCATATTTTATTTTT[A>T]GGCCATTAAGCAGATGTATGTACTCATTCTTGGACTTGATGTTTTGGGAAATCCATTTGG-3'